The following is an entry in ClinVar:

NM_000261.2(MYOC):c.365G>A (p.Gly122Asp)

Gene: MYOC (myocilin; minus strand). Cytogenetic location: 1q24.3.
Variant type: single nucleotide variant.
Coding change: c.365G>A on transcript NM_000261.2 (MANE Select); coding-DNA position 365, G replaced by A.
Protein change: p.Gly122Asp; replaces glycine 122 with aspartic acid.
Molecular consequence: missense variant.
Genome position (GRCh38, 1-based): chr1:171,652,247, C>T on the plus strand (G>A on the coding strand, the complement: MYOC is on the minus strand). VCF-style: chr1-171652247-C-T. GRCh37 (hg19) VCF-style: chr1-171621387-C-T.
Other names: NM_000261.2(MYOC):c.365G>A; p.Gly122Asp; short protein forms G122D.
Identifiers: ClinVar variation 1048923 (VCV001048923.3), dbSNP rs1395679980, ClinGen allele CA343718551.

ClinVar aggregate classification (germline): Uncertain significance. Review status: reviewed by expert panel (3 of 4 stars). 2 submissions from 2 submitters: Uncertain significance (1). 1 of the submissions does not count toward it. Last evaluated 2025-10-08.

Conditions:
Open-angle glaucoma. Identifiers: MedGen C0017612, MONDO:0005338, HP:0012108.

Submissions (2):

ClinGen Glaucoma Variant Curation Expert Panel
Classification: Uncertain significance for Open-angle glaucoma. Last evaluated: 2025-10-08. Review status: reviewed by expert panel. Criteria: ClinGen Glaucoma ACMG Specifications V2.0.0 Approved. Collection method: curation. Allele origin: germline. Inheritance: Autosomal dominant inheritance.
Comment: The c.365G>A variant in MYOC is a missense variant predicted to cause substitution of Glycine by Aspartate at amino acid 122 (p.Gly122Asp). This variant was not found in any genetic ancestry group of gnomAD (v4.1.0), meeting the ≤ 0.0001 threshold set for PM2_Supporting in a genetic ancestry group of at least 10,000 alleles. The REVEL score = 0.036, which was within the 0.017-0.183 range for BP4_Moderate, suggesting that the variant does not impact MYOC function. There was no functional evidence predicting a damaging or benign impact of this variant on MYOC function. This variant was identified in laboratory based testing, but has not yet been found in a proband with juvenile or primary open angle glaucoma, thus PS4 did not apply. In summary, this variant met the criteria to receive a score of -1 and to be classified as a variant of uncertain significance (uncertain significance classification range -1 to 5, adapted from PMID: 32720330) for primary open angle glaucoma based on the ACMG/AMP criteria met, as specified by the ClinGen Glaucoma VCEP (v2.0.0, 5 Dec 2024): BP4_Moderate, PM2_Supporting.

Department of Pathology and Laboratory Medicine, Sinai Health System
Classification: Uncertain significance. Review status: no assertion criteria provided. Collection method: clinical testing. Allele origin: unknown. Affected: yes. Study: The Canadian Open Genetics Repository (COGR). Not counted in ClinVar's aggregate classification.